The following is an entry in ClinVar:

NM_012471.3(TRPC5):c.2567T>C (p.Met856Thr)

Gene: TRPC5 (transient receptor potential cation channel subfamily C member 5; minus strand). Cytogenetic location: Xq23.
Variant type: single nucleotide variant.
Coding change: c.2567T>C on transcript NM_012471.3 (MANE Select); coding-DNA position 2567, T replaced by C.
Protein change: p.Met856Thr; replaces methionine 856 with threonine.
Molecular consequence: missense variant.
Genome position (GRCh38, 1-based): chrX:111,776,668, A>G on the plus strand (T>C on the coding strand, the complement: TRPC5 is on the minus strand). VCF-style: chrX-111776668-A-G. GRCh37 (hg19) VCF-style: chrX-111019896-A-G.
Other names: short protein forms M856T.
Identifiers: ClinVar variation 4997416 (VCV004997416.1).
Genomic context (GRCh38, chrX:111,776,668, plus strand): 5'-CAGTGCTGCTGAACAATTCCATCAGAAATTGTGTACATTGGCTCTGAACTGGGTTCAGAC[A>G]TATGACCATTAAATTTGGAGAATAGGAGACCCAGTTTCTTGAGAGAAGGACCCATGAAGG-3'
Protein context (NP_036603.1, residues 846-866): GLLFSKFNGH[Met856Thr]SEPSSEPMYT

ClinVar aggregate classification (germline): Uncertain significance (1 of 4 stars; one submission).

Conditions:
TRPC5-related disorder. Also called: TRPC5-related condition.

gnomAD v4.1: 1 of 1,211,946 alleles (0.000083%); highest among the groups gnomAD compares: African/African-American, 0.0017%; no homozygotes.

Submission:

PreventionGenetics, part of Exact Sciences
Classification: Uncertain significance for TRPC5-related condition. Last evaluated: 2025-06-16. Review status: criteria provided, single submitter. Criteria: ACMG Guidelines, 2015. Collection method: clinical testing. Allele origin: germline.
Comment: The TRPC5 c.2567T>C variant is predicted to result in the amino acid substitution p.Met856Thr. To our knowledge, this variant has not been reported in the literature or in a large population database (gnomAD), indicating this variant is rare. At this time, the clinical significance of this variant is uncertain due to the absence of conclusive functional and genetic evidence.